The following is an entry in ClinVar:

NM_014806.5(RUSC2):c.2317C>T (p.Arg773Trp)

Gene: RUSC2 (RUN and SH3 domain containing 2; plus strand). Cytogenetic location: 9p13.3.
Variant type: single nucleotide variant.
Coding change: c.2317C>T on transcript NM_014806.5 (MANE Select); coding-DNA position 2317, C replaced by T.
Protein change: p.Arg773Trp; replaces arginine 773 with tryptophan.
Molecular consequence: missense variant. On other transcripts: 5 prime UTR variant (1), non-coding transcript variant (1).
Genome position (GRCh38, 1-based): chr9:35,555,362, C>T. VCF-style: chr9-35555362-C-T. GRCh37 (hg19) VCF-style: chr9-35555359-C-T.
Other names: c.2317C>T, p.Arg773Trp (NM_001135999.2); c.-318C>T (NM_001330740.2); short protein forms R773W.
Identifiers: ClinVar variation 1716072 (VCV001716072.5), dbSNP rs958784489, ClinGen allele CA192751308.
Genomic context (GRCh38, chr9:35,555,362, plus strand): 5'-TCCACTCCCCGAGCCACTGGCAGAGGTGCCAGGAAAGCTGGGTCTGAGCCAGAGACCTCT[C>T]GGCCATCGCCCCTGGGCAGCTACTCCCCCATCCGGAGTGTTGGCCCCTTTGGGCCCAGCA-3'
Protein context (NP_055621.2, residues 763-783): RKAGSEPETS[Arg773Trp]PSPLGSYSPI

ClinVar aggregate classification (germline): Uncertain significance (1 of 4 stars; one submission).

Allele frequency attached by ClinVar (database versions not stated): gnomAD exomes below 0.00001.
gnomAD v4.1: 2 of 1,614,234 alleles (0.00012%); highest among the groups gnomAD compares: Non-Finnish European, 0.00017%; no homozygotes.

Submission:

Labcorp Genetics (formerly Invitae), Labcorp
Classification: Uncertain significance. Last evaluated: 2024-01-22. Review status: criteria provided, single submitter. Criteria: Invitae Variant Classification Sherloc (09022015). Collection method: clinical testing. Allele origin: germline.
Comment: This sequence change replaces arginine, which is basic and polar, with tryptophan, which is neutral and slightly polar, at codon 773 of the RUSC2 protein (p.Arg773Trp). This variant is not present in population databases (gnomAD no frequency). This variant has not been reported in the literature in individuals affected with RUSC2-related conditions. ClinVar contains an entry for this variant (Variation ID: 1716072). An algorithm developed to predict the effect of missense changes on protein structure and function (PolyPhen-2) suggests that this variant is likely to be disruptive. In summary, the available evidence is currently insufficient to determine the role of this variant in disease. Therefore, it has been classified as a Variant of Uncertain Significance.